The following is an entry in ClinVar:

ClinVar aggregate classification (germline): Benign (1 of 4 stars; one submission).

Allele frequency attached by ClinVar (database versions not stated): 1000 Genomes Project 0.00053; gnomAD 0.00017; ExAC 0.00051; TOPMed 0.00028; 1000 Genomes Project 30x 0.00042.

Submission:

CeGaT Center for Human Genetics Tuebingen
Classification: Benign. Last evaluated: 2026-01-01. Review status: criteria provided, single submitter. Criteria: CeGaT Center For Human Genetics Tuebingen Variant Classification Criteria Version 2. Collection method: clinical testing. Allele origin: germline. Affected: yes. Observed: 10 variant alleles.
Comment: MLH1: BP2, BS1, BS4

NM_005362.4(MAGEA3):c.627C>T (p.Ile209=)

Gene: MAGEA3 (MAGE family member A3). Cytogenetic location: Xq28.
Variant type: single nucleotide variant.
Coding change: c.627C>T on transcript NM_005362.4 (MANE Select); coding-DNA position 627, C replaced by T.
Protein change: p.Ile209=; no amino-acid change (isoleucine 209 retained).
Molecular consequence: synonymous variant.
Genome position (GRCh38, 1-based): chrX:152,701,459, C>T. VCF-style: chrX-152701459-C-T. GRCh37 (hg19) VCF-style: chrX-151935540-G-A.
Identifiers: ClinVar variation 2661671 (VCV002661671.11), dbSNP rs141132459, ClinGen allele CA10544436.
Genomic context (GRCh38, chrX:152,701,459, plus strand): 5'-GCTGGGTGACAATCAGATCATGCCCAAGGCAGGCCTCCTGATAATCGTCCTGGCCATAAT[C>T]GCAAGAGAGGGCGACTGTGCCCCTGAGGAGAAAATCTGGGAGGAGCTGAGTGTGTTAGAG-3'
Protein context (NP_005353.1, residues 199-219): AGLLIIVLAI[Ile209=]AREGDCAPEE